The following is an entry in ClinVar:

ClinVar aggregate classification (germline): Conflicting classifications of pathogenicity. Review status: criteria provided, conflicting classifications (1 of 4 stars). 24 submissions from 23 submitters: Uncertain significance (4); Benign (9); Likely benign (5). 6 of the submissions do not count toward it. Last evaluated 2026-08-01.

Conditions:
Cystic fibrosis diagnostic test.
CFTR-related disorder (CFTR-RD). Also called: CFTR-related condition; CFTR-related disorders. Identifiers: MedGen C5924204, MONDO:7770004.
Congenital bilateral aplasia of vas deferens from CFTR mutation (CBAVD). Identifiers: Orphanet 48, MedGen C0403814, MONDO:0010178, OMIM 277180. Disease mechanism: loss of function.
Hereditary pancreatitis (PCTT). Also called: Hereditary chronic pancreatitis; PRSS1-Related Hereditary Pancreatitis. Identifiers: Orphanet 676, MedGen C0238339, MONDO:0008185, OMIM 167800.
Cystic fibrosis (CF). Also called: MUCOVISCIDOSIS. Identifiers: Orphanet 586, MedGen C0010674, MONDO:0009061, OMIM 219700. Disease mechanism: loss of function.
Obstructive azoospermia. Identifiers: MedGen C4023106, HP:0011962.

Allele frequency attached by ClinVar (database versions not stated): gnomAD exomes 0.00497 and 0.00810; ESP Exome Variant Server 0.00577; 1000 Genomes Project 0.00180; ExAC 0.00499; gnomAD 0.00560 and 0.00573; 1000 Genomes Project 30x 0.00187; TOPMed 0.00526.
gnomAD v4.1: 12,610 of 1,611,572 alleles (0.78%); highest among the groups gnomAD compares: Non-Finnish European, 0.95%; 76 homozygotes.

Submissions 1 to 21 of 24:

CeGaT Center for Human Genetics Tuebingen
Classification: Likely benign. Last evaluated: 2026-08-01. Review status: criteria provided, single submitter. Criteria: CeGaT Center For Human Genetics Tuebingen Variant Classification Criteria Version 2. Collection method: clinical testing. Allele origin: germline. Affected: yes. Observed: 18 variant alleles.
Comment: CFTR: BS2

NHS Central & South Genomic Laboratory Hub
Classification: Uncertain significance for Cystic fibrosis diagnostic test. Last evaluated: 2026-04-22. Review status: criteria provided, single submitter. Criteria: ACMG Guidelines, 2015. Collection method: clinical testing. Allele origin: germline. Affected: yes.

Labcorp Genetics (formerly Invitae), Labcorp
Classification: Benign for Cystic fibrosis. Last evaluated: 2026-02-04. Review status: criteria provided, single submitter. Criteria: Invitae Variant Classification Sherloc (09022015). Collection method: clinical testing. Allele origin: germline.

ARUP Laboratories, Molecular Genetics and Genomics, ARUP Laboratories
Classification: Uncertain significance. Last evaluated: 2025-07-22. Review status: criteria provided, single submitter. Criteria: ARUP Molecular Germline Variant Investigation Process 2024. Collection method: clinical testing. Allele origin: germline.
Comment: The CFTR c.3705T>G; p.Ser1235Arg variant (rs34911792) is historically considered to be mildly pathogenic due to its prevalence in patients diagnosed with mild respiratory disorders (Rene 2011) or chronic pancreatitis (Hamoir 2013, Steiner 2011, Weiss 2005). However, genotype-phenotype studies indicate that the variant is observed at similar frequencies between affected and asymptomatic individuals (LaRusch 2014, Monaghan 2000, Rene 2011, Sosnay 2013). Functional studies also indicate no defect in CFTR maturation or chloride transport activity (Sosnay 2013, Van Goor 2014). The variant is listed in ClinVar (Variation ID: 35872) and is observed in the general population at an overall frequency of 0.5% (1,409/279,632 alleles, including 4 homozygotes) in the Genome Aggregation Database (v2.1.1). Computational analyses are uncertain whether this variant is neutral or deleterious (REVEL: 0.531). Current evidence indicates that this variant, when present with a pathogenic CFTR variant on the opposite chromosome, is not associated with classic cystic fibrosis. However, it remains uncertain whether it may contribute to the clinical phenotype in individuals with milder CFTR-related disease (e.g., an isolated presentation of pancreatitis, congenital bilateral absence of the vas deferens, or mild lung disease). References: Hamoir C et al. Clinical and morphological characteristics of sporadic genetically determined pancreatitis as compared to idiopathic pancreatitis: higher risk of pancreatic cancer in CFTR variants. Digestion. 2013; 87(4):229-39. PMID: 23751316. LaRusch J et al. Mechanisms of CFTR functional variants that impair regulated bicarbonate permeation and increase risk for pancreatitis but not for cystic fibrosis. PLoS Genet. 2014; 10(7):e1004376. PMID: 25033378. Monaghan K et al. Frequency and clinical significance of the S1235R mutation in the cystic fibrosis transmembrane conductance regulator gene: results from a collaborative study. Am J Med Genet. 2000; 95(4):361-5. PMID: 11186891. Rene C et al. p.Ser1235Arg should no longer be considered as a cystic fibrosis mutation: results from a large collaborative study. Eur J Hum Genet. 2011; 19(1):36-42. PMID: 20717170. Sosnay PR et al. Defining the disease liability of variants in the cystic fibrosis transmembrane conductance regulator gene. Nat Genet. 2013; 45(10):1160-7. PMID: 23974870. Steiner B et al. Common CFTR haplotypes and susceptibility to chronic pancreatitis and congenital bilateral absence of the vas deferens. Hum Mutat. 2011; 32(8):912-20. PMID: 21520337. Van Goor F et al. Effect of ivacaftor on CFTR forms with missense mutations associated with defects in protein processing or function. J Cyst Fibros. 2014; 13(1):29-36. PMID: 23891399. Weiss F et al. Complete cystic fibrosis transmembrane conductance regulator gene sequencing in patients with idiopathic chronic pancreatitis and controls. Gut. 2005; 54(10):1456-60. PMID: 15987793.

Blueprint Genetics
Classification: Likely benign. Last evaluated: 2024-11-26. Review status: criteria provided, single submitter. Criteria: ACMG Guidelines, 2015. Collection method: clinical testing. Allele origin: germline.

PreventionGenetics, part of Exact Sciences
Classification: Benign for CFTR-related condition. Last evaluated: 2024-11-25. Review status: criteria provided, single submitter. Criteria: ACMG Guidelines, 2015. Collection method: clinical testing. Allele origin: germline.
Comment: This variant is classified as benign based on ACMG/AMP sequence variant interpretation guidelines (Richards et al. 2015 PMID: 25741868, with internal and published modifications).

Clinical Genetics Laboratory, Skane University Hospital Lund
Classification: Benign. Last evaluated: 2024-03-13. Review status: criteria provided, single submitter. Criteria: ACMG Guidelines, 2015. Collection method: clinical testing. Allele origin: germline. Affected: yes.

Mayo Clinic Laboratories, Mayo Clinic
Classification: Benign. Last evaluated: 2023-02-16. Review status: criteria provided, single submitter. Criteria: ACMG Guidelines, 2015. Collection method: clinical testing. Allele origin: germline. Observed: 81 variant alleles.

MGZ Medical Genetics Center
Classification: Uncertain significance for Cystic fibrosis. Last evaluated: 2022-07-26. Review status: criteria provided, single submitter. Criteria: ACMG Guidelines, 2015. Collection method: clinical testing. Allele origin: germline. Affected: yes. Observed: 3 variant alleles.
Comment: ACMG criteria applied: PM3

Quest Diagnostics Nichols Institute San Juan Capistrano
Classification: Benign. Last evaluated: 2022-02-04. Review status: criteria provided, single submitter. Criteria: Quest Diagnostics criteria. Collection method: clinical testing. Allele origin: unknown.

Genome-Nilou Lab
Classification: Likely benign for Cystic fibrosis. Last evaluated: 2021-06-10. Review status: criteria provided, single submitter. Criteria: ACMG Guidelines, 2015. Collection method: clinical testing. Allele origin: germline. Affected: no.

Sema4
Classification: Benign for Hereditary pancreatitis. Last evaluated: 2020-10-24. Review status: criteria provided, single submitter. Criteria: Sema4 Curation Guidelines. Collection method: curation. Allele origin: germline.

Johns Hopkins Genomics, Johns Hopkins University
Classification: Benign for Cystic fibrosis. Last evaluated: 2020-04-22. Review status: criteria provided, single submitter. Criteria: ACMG Guidelines, 2015. Collection method: clinical testing. Allele origin: germline.

Mendelics
Classification: Likely benign for Cystic fibrosis. Last evaluated: 2019-05-28. Review status: criteria provided, single submitter. Criteria: Mendelics Assertion Criteria 2017. Collection method: clinical testing. Allele origin: unknown.

Ambry Genetics
Classification: Likely benign for Cystic fibrosis. Last evaluated: 2019-01-26. Review status: criteria provided, single submitter. Criteria: Ambry Variant Classification Scheme 2023. Collection method: clinical testing. Allele origin: germline.

Laboratory for Molecular Medicine, Mass General Brigham Personalized Medicine
Classification: Benign. Last evaluated: 2018-09-14. Review status: criteria provided, single submitter. Criteria: LMM Criteria. Collection method: clinical testing. Allele origin: germline. Observed: 1 variant allele.
Comment: The p.Ser1235Arg variant in CFTR is classified as benign because it has been ide ntified in 0.9% (87/10124) of Ashkenazi Jewish chromosomes and 0.7% (939/125536) of European chromosomes, including 4 homozygotes, by gnomAD. ACMG/AMP Criteria applied: BA1.

Illumina Laboratory Services, Illumina
Classification: Uncertain significance for CFTR-Related Disorders. Last evaluated: 2017-04-27. Review status: criteria provided, single submitter. Criteria: ICSL Variant Classification Criteria 13 December 2019. Collection method: clinical testing. Allele origin: germline.

Eurofins Ntd Llc (ga)
Classification: Benign. Last evaluated: 2012-07-24. Review status: criteria provided, single submitter. Criteria: EGL Classification Definitions 2015. Collection method: clinical testing. Allele origin: germline. Observed: 13 variant alleles, 13 heterozygotes.

Zotz-Klimas Genetics Lab, MVZ Zotz Klimas
Classification: Uncertain significance for Cystic fibrosis. Last evaluated: 2023-10-30. Review status: no assertion criteria provided. Collection method: clinical testing. Allele origin: germline. Affected: yes. Not counted in ClinVar's aggregate classification.

Zotz-Klimas Genetics Lab, MVZ Zotz Klimas
Classification: Uncertain significance for Congenital bilateral aplasia of vas deferens from CFTR mutation. Last evaluated: 2023-10-09. Review status: no assertion criteria provided. Collection method: clinical testing. Allele origin: germline. Affected: yes. Not counted in ClinVar's aggregate classification.

Natera, Inc.
Classification: Benign for Cystic Fibrosis. Last evaluated: 2020-01-11. Review status: no assertion criteria provided. Collection method: clinical testing. Allele origin: germline. Not counted in ClinVar's aggregate classification.

NM_000492.4(CFTR):c.3705T>G (p.Ser1235Arg)

Genes: CFTR-AS2 (CFTR antisense RNA 2; minus strand), CFTR (CF transmembrane conductance regulator; plus strand). Cytogenetic location: 7q31.2.
Variant type: single nucleotide variant.
Coding change: c.3705T>G on transcript NM_000492.4 (MANE Select); coding-DNA position 3705, T replaced by G.
Protein change: p.Ser1235Arg; replaces serine 1235 with arginine.
Molecular consequence: missense variant.
Genome position (GRCh38, 1-based): chr7:117,627,758, T>G. VCF-style: chr7-117627758-T-G. GRCh37 (hg19) VCF-style: chr7-117267812-T-G.
Other names: short protein forms S1235R.
Identifiers: ClinVar variation 35872 (VCV000035872.89), dbSNP rs34911792, ClinGen allele CA090908.